The following is an entry in ClinVar:

NM_001267550.2(TTN):c.27941T>A (p.Val9314Asp)

Gene: TTN (titin; minus strand). Cytogenetic location: 2q31.2.
Variant type: single nucleotide variant.
Coding change: c.27941T>A on transcript NM_001267550.2 (MANE Select); coding-DNA position 27941, T replaced by A.
Protein change: p.Val9314Asp; replaces valine 9314 with aspartic acid.
Molecular consequence: missense variant. On other transcripts: intron variant (3).
Genome position (GRCh38, 1-based): chr2:178,711,295, A>T on the plus strand (T>A on the coding strand, the complement: TTN is on the minus strand). VCF-style: chr2-178711295-A-T. GRCh37 (hg19) VCF-style: chr2-179576022-A-T.
Other names: c.24209T>A, p.Val8070Asp (NM_133378.4); c.26990T>A, p.Val8997Asp (NM_001256850.1); c.13282+26787T>A (NM_003319.4); c.13858+26787T>A (NM_133437.4); c.13657+26787T>A (NM_133432.3); short protein forms V8070D, V9314D, V8997D.
Identifiers: ClinVar variation 180099 (VCV000180099.5), dbSNP rs727505348, ClinGen allele CA185809.
Genomic context (GRCh38, chr2:178,711,295, plus strand): 5'-CAAGACACGGAGATAGGTTCTGATCCACTTATGGCACAATCAAAAACAACTGGCAGTCCA[A>T]CTGTTTCTTGAACATCTCTCAATTGTCGAGAAAATGATGGTGGAAGTTTTTGCTCTGTAG-3'
Protein context (NP_001254479.2, residues 9304-9324): SRQLRDVQET[Val9314Asp]GLPVVFDCAI

ClinVar aggregate classification (germline): Uncertain significance (1 of 4 stars; one submission).

Allele frequency attached by ClinVar (database versions not stated): gnomAD below 0.00001 and 0.00001.
gnomAD v4.1: 7 of 1,613,368 alleles (0.00043%); highest among the groups gnomAD compares: South Asian, 0.0066%; no homozygotes.

Submission:

Laboratory for Molecular Medicine, Mass General Brigham Personalized Medicine
Classification: Uncertain significance. Last evaluated: 2014-11-28. Review status: criteria provided, single submitter. Criteria: LMM Criteria. Collection method: clinical testing. Allele origin: germline. Observed: 1 variant allele.
Comment: The p.Val8070Asp variant in TTN has not been previously reported in individuals with cardiomyopathy but was identified in 1/16376 South Asian individuals screen ed by the ExAC consortium. Computational predic tion tools and conservation analysis do not provide strong support for or agains t an impact to the protein. In summary, the clinical significance of the p.Val80 70Asp variant is uncertain.